The following is an entry in ClinVar:

NM_004463.3(FGD1):c.77C>T (p.Ala26Val)

Gene: FGD1 (FYVE, RhoGEF and PH domain containing 1; minus strand). Cytogenetic location: Xp11.22.
Variant type: single nucleotide variant.
Coding change: c.77C>T on transcript NM_004463.3 (MANE Select); coding-DNA position 77, C replaced by T.
Protein change: p.Ala26Val; replaces alanine 26 with valine.
Molecular consequence: missense variant.
Genome position (GRCh38, 1-based): chrX:54,495,356, G>A on the plus strand (C>T on the coding strand, the complement: FGD1 is on the minus strand). VCF-style: chrX-54495356-G-A. GRCh37 (hg19) VCF-style: chrX-54521789-G-A.
Other names: short protein forms A26V.
Identifiers: ClinVar variation 1303334 (VCV001303334.2), dbSNP rs2147448875, ClinGen allele CA413255094.

ClinVar aggregate classification (germline): Uncertain significance (1 of 4 stars; one submission).

Submission:

GeneDx
Classification: Uncertain significance. Last evaluated: 2019-09-10. Review status: criteria provided, single submitter. Criteria: GeneDx Variant Classification Process June 2021. Collection method: clinical testing. Allele origin: germline. Affected: yes.
Comment: Not observed in large population cohorts (Lek et al., 2016); In silico analysis, which includes protein predictors and evolutionary conservation, supports that this variant does not alter protein structure/function; Has not been previously published as pathogenic or benign to our knowledge